The following is an entry in ClinVar:

ClinVar aggregate classification (germline): Uncertain significance. Review status: criteria provided, single submitter (1 of 4 stars). 2 submissions from 2 submitters: Uncertain significance (1). 1 of the submissions does not count toward it. Last evaluated 2025-07-17.

Conditions:
Bifunctional peroxisomal enzyme deficiency (DBIF). Also called: DBP DEFICIENCY; PBFE DEFICIENCY; D-bifunctional protein deficiency. Identifiers: Orphanet 300, MedGen C0342870, MONDO:0009855, OMIM 261515. Disease mechanism: loss of function.

Allele frequency attached by ClinVar (database versions not stated): TOPMed below 0.00001.

Submissions (2):

Gut Microbiota and Metabolic Research Center, Institute of Pediatric Infection, Immunity and Critical Care Medicine, Shanghai Children's Hospital, School of Medicine, Shanghai Jiao Tong University
Classification: Uncertain significance for Bifunctional peroxisomal enzyme deficiency. Last evaluated: 2025-07-17. Review status: criteria provided, single submitter. Criteria: ACMG Guidelines, 2015. Collection method: clinical testing. Allele origin: paternal. Inheritance: Autosomal recessive inheritance. Affected: yes.
Comment: PM2, PM3

Mayo Clinic Laboratories, Mayo Clinic
Classification: Uncertain significance. Last evaluated: 2016-10-14. Review status: no assertion criteria provided. Collection method: clinical testing. Allele origin: unknown. Not counted in ClinVar's aggregate classification.

NM_000414.4(HSD17B4):c.1145G>A (p.Gly382Asp)

Gene: HSD17B4 (hydroxysteroid 17-beta dehydrogenase 4; plus strand). Cytogenetic location: 5q23.1.
Variant type: single nucleotide variant.
Coding change: c.1145G>A on transcript NM_000414.4 (MANE Select); coding-DNA position 1145, G replaced by A.
Protein change: p.Gly382Asp; replaces glycine 382 with aspartic acid.
Molecular consequence: missense variant.
Genome position (GRCh38, 1-based): chr5:119,499,489, G>A. VCF-style: chr5-119499489-G-A. GRCh37 (hg19) VCF-style: chr5-118835184-G-A.
Other names: c.1220G>A, p.Gly407Asp (NM_001199291.3); c.1091G>A, p.Gly364Asp (NM_001199292.2); c.1073G>A, p.Gly358Asp (NM_001292027.2); c.725G>A, p.Gly242Asp (NM_001292028.2); c.1145G>A (NM_000414.3); short protein forms G382D, G407D, G358D, G364D, G242D.
Identifiers: ClinVar variation 559070 (VCV000559070.6), dbSNP rs972447861, ClinGen allele CA125882829.